The following is an entry in ClinVar:

NM_001854.4(COL11A1):c.2043+4T>A

Gene: COL11A1 (collagen type XI alpha 1 chain; minus strand). Cytogenetic location: 1p21.1.
Variant type: single nucleotide variant.
Coding change: c.2043+4T>A on transcript NM_001854.4 (MANE Select); 4 bases into the intron after coding-DNA position 2043, T replaced by A.
Molecular consequence: intron variant.
Genome position (GRCh38, 1-based): chr1:103,002,743, A>T on the plus strand (T>A on the coding strand, the complement: COL11A1 is on the minus strand). VCF-style: chr1-103002743-A-T. GRCh37 (hg19) VCF-style: chr1-103468299-A-T.
Other names: c.2043+4T>A (NM_001854.3); c.1926+4T>A (NM_001190709.2); c.2079+4T>A (NM_080629.3); c.1695+4T>A (NM_080630.4).
Identifiers: ClinVar variation 1443407 (VCV001443407.8), dbSNP rs764236870, ClinGen allele CA974655.
Genomic context (GRCh38, chr1:103,002,743, plus strand): 5'-CAAAAAATGGTTTCTTAGGGCTTATATTCAAATATGAGTTATTTTATCACTATTTGCTAC[A>T]TACCATGTTCCCTTTTGGTCCTGGGGGGCCATCTACACCTGCCATACCCTGCAATGAAGA-3'

ClinVar aggregate classification (germline): Uncertain significance. Review status: criteria provided, single submitter (1 of 4 stars). 2 submissions from 2 submitters: Uncertain significance (1). 1 of the submissions does not count toward it. Last evaluated 2025-06-04.

Conditions:
COL11A1-related disorder. Also called: COL11A1-related condition; COL11A1-related disorders.

Allele frequency attached by ClinVar (database versions not stated): gnomAD exomes below 0.00001; ExAC 0.00001.
gnomAD v4.1: 7 of 1,611,662 alleles (0.00043%); highest among the groups gnomAD compares: Non-Finnish European, 0.00051%; no homozygotes.

Submissions (2):

Labcorp Genetics (formerly Invitae), Labcorp
Classification: Uncertain significance. Last evaluated: 2025-06-04. Review status: criteria provided, single submitter. Criteria: Invitae Variant Classification Sherloc (09022015). Collection method: clinical testing. Allele origin: germline.
Comment: This sequence change falls in intron 22 of the COL11A1 gene. It does not directly change the encoded amino acid sequence of the COL11A1 protein. It affects a nucleotide within the consensus splice site. The frequency data for this variant in the population databases is considered unreliable, as metrics indicate poor data quality at this position in the gnomAD database. This variant has not been reported in the literature in individuals affected with COL11A1-related conditions. ClinVar contains an entry for this variant (Variation ID: 1443407). Variants that disrupt the consensus splice site are a relatively common cause of aberrant splicing (PMID: 17576681, 9536098). Algorithms developed to predict the effect of sequence changes on RNA splicing suggest that this variant is not likely to affect RNA splicing. In summary, the available evidence is currently insufficient to determine the role of this variant in disease. Therefore, it has been classified as a Variant of Uncertain Significance.

PreventionGenetics, part of Exact Sciences
Classification: Likely benign for COL11A1-related condition. Last evaluated: 2023-02-08. Review status: no assertion criteria provided. Collection method: clinical testing. Allele origin: germline. Not counted in ClinVar's aggregate classification.
Comment: This variant is classified as likely benign based on ACMG/AMP sequence variant interpretation guidelines (Richards et al. 2015 PMID: 25741868, with internal and published modifications).

Literature cited by the submitters: PubMed 17576681 (cited by Labcorp Genetics (formerly Invitae), Labcorp); PubMed 9536098 (cited by Labcorp Genetics (formerly Invitae), Labcorp).